The following is an entry in ClinVar:

ClinVar aggregate classification (germline): Uncertain significance (1 of 4 stars; one submission).

Conditions:
Orofacial cleft 6, susceptibility to (OFC6). Also called: CLEFT LIP WITH OR WITHOUT CLEFT PALATE, NONSYNDROMIC, 6. Identifiers: MedGen C1837213, MONDO:0012141, OMIM 608864.
Popliteal pterygium syndrome (PPS). Identifiers: Orphanet 294963, MedGen C0265259, MONDO:0017435.
Van der Woude syndrome. Identifiers: Orphanet 888, MedGen C0175697, MONDO:0019508.

gnomAD v4.1: 3 of 1,614,174 alleles (0.00019%); highest among the groups gnomAD compares: Middle Eastern, 0.016%; no homozygotes.

Submission:

Labcorp Genetics (formerly Invitae), Labcorp
Classification: Uncertain significance for Orofacial cleft 6, susceptibility to; Van der Woude syndrome; Popliteal pterygium syndrome. Last evaluated: 2025-12-23. Review status: criteria provided, single submitter. Criteria: Invitae Variant Classification Sherloc (09022015). Collection method: clinical testing. Allele origin: germline.
Comment: This sequence change replaces aspartic acid, which is acidic and polar, with glycine, which is neutral and non-polar, at codon 142 of the IRF6 protein (p.Asp142Gly). This variant is not present in population databases (gnomAD no frequency). This variant has not been reported in the literature in individuals affected with IRF6-related conditions. Invitae Evidence Modeling of protein sequence and biophysical properties (such as structural, functional, and spatial information, amino acid conservation, physicochemical variation, residue mobility, and thermodynamic stability) indicates that this missense variant is not expected to disrupt IRF6 protein function with a negative predictive value of 80%. In summary, the available evidence is currently insufficient to determine the role of this variant in disease. Therefore, it has been classified as a Variant of Uncertain Significance.

NM_006147.4(IRF6):c.425A>G (p.Asp142Gly)

Gene: IRF6 (interferon regulatory factor 6; minus strand). Cytogenetic location: 1q32.2.
Variant type: single nucleotide variant.
Coding change: c.425A>G on transcript NM_006147.4 (MANE Select); coding-DNA position 425, A replaced by G.
Protein change: p.Asp142Gly; replaces aspartic acid 142 with glycine.
Molecular consequence: missense variant.
Genome position (GRCh38, 1-based): chr1:209,795,373, T>C on the plus strand (A>G on the coding strand, the complement: IRF6 is on the minus strand). VCF-style: chr1-209795373-T-C. GRCh37 (hg19) VCF-style: chr1-209968718-T-C.
Other names: c.140A>G, p.Asp47Gly (NM_001206696.2); short protein forms D142G, D47G.
Identifiers: ClinVar variation 4787792 (VCV004787792.1).
Genomic context (GRCh38, chr1:209,795,373, plus strand): 5'-GTGTCCTGGATGGGAACATGGTGCTGCGACTGATCCAGCTCATCTTCCTCATCTTCTTCA[T>C]CCACATCATTATCCTTCTCATCCCAGGGAGCAGACCCTGTGGATCCTACCCAAGATACAC-3'
Protein context (NP_006138.1, residues 132-152): APWDEKDNDV[Asp142Gly]EEDEEDELDQ